The following is an entry in ClinVar:

ClinVar aggregate classification (germline): Uncertain significance (1 of 4 stars; one submission).

Conditions:
Hoyeraal-Hreidarsson syndrome (HHS). Also called: CEREBELLAR HYPOPLASIA WITH PANCYTOPENIA. Identifiers: Orphanet 3322, MedGen C1846142, MONDO:0018045.

Submission:

Illumina Laboratory Services, Illumina
Classification: Uncertain significance for Hoyeraal-Hreidarsson syndrome. Last evaluated: 2020-10-20. Review status: criteria provided, single submitter. Criteria: ICSLVariantClassificationCriteria RUGD 01 April 2020. Collection method: clinical testing. Allele origin: unknown.
Comment: The DKC1 c.691G>A (p.Val231Met) variant is a missense variant. A literature search was performed for the gene, cDNA change, and amino acid change. No publications were found based on this search. This variant is not reported in the Genome Aggregation Database in a region of good sequence coverage, so the variant is presumed to be rare. Based on the available evidence, the p.Val231Met variant is classified as a variant of uncertain significance for Hoyeraal-Hreidarsson syndrome.

NM_001363.5(DKC1):c.691G>A (p.Val231Met)

Gene: DKC1 (dyskerin pseudouridine synthase 1; plus strand). Cytogenetic location: Xq28.
Variant type: single nucleotide variant.
Coding change: c.691G>A on transcript NM_001363.5 (MANE Select); coding-DNA position 691, G replaced by A.
Protein change: p.Val231Met; replaces valine 231 with methionine.
Molecular consequence: missense variant. On other transcripts: non-coding transcript variant (3).
Genome position (GRCh38, 1-based): chrX:154,768,352, G>A. VCF-style: chrX-154768352-G-A. GRCh37 (hg19) VCF-style: chrX-153996627-G-A.
Other names: c.691G>A, p.Val231Met (NM_001142463.3, NM_001288747.2); short protein forms V231M.
Identifiers: ClinVar variation 3062073 (VCV003062073.1), dbSNP rs2523688342, ClinGen allele CA414890518.